The following is an entry in ClinVar:

ClinVar aggregate classification (germline): Uncertain significance (1 of 4 stars; one submission).

Conditions:
Aicardi-Goutieres syndrome 6 (AGS6). Identifiers: Orphanet 51, MedGen C3539013, MONDO:0014007, OMIM 615010.
Symmetrical dyschromatosis of extremities (DSH). Also called: RETICULATE ACROPIGMENTATION OF DOHI; SYMMETRIC DYSCHROMATOSIS OF THE EXTREMITIES; Dyschromatosis symmetrica hereditaria; DYSCHROMATOSIS SYMMETRICA HEREDITARIA 1. Identifiers: Orphanet 41, MedGen C0406775, MONDO:0007483, OMIM 127400.

Submission:

Labcorp Genetics (formerly Invitae), Labcorp
Classification: Uncertain significance for Aicardi-Goutieres syndrome 6; Symmetrical dyschromatosis of extremities. Last evaluated: 2020-03-07. Review status: criteria provided, single submitter. Criteria: Invitae Variant Classification Sherloc (09022015). Collection method: clinical testing. Allele origin: germline.
Comment: This variant is not present in population databases (ExAC no frequency). In summary, the available evidence is currently insufficient to determine the role of this variant in disease. Therefore, it has been classified as a Variant of Uncertain Significance. Algorithms developed to predict the effect of missense changes on protein structure and function are either unavailable or do not agree on the potential impact of this missense change (SIFT: "Deleterious"; PolyPhen-2: "Probably Damaging"; Align-GVGD: "Class C0"). This variant has not been reported in the literature in individuals with ADAR-related conditions. This sequence change replaces glycine with valine at codon 639 of the ADAR protein (p.Gly639Val). The glycine residue is highly conserved and there is a moderate physicochemical difference between glycine and valine.

NM_001111.5(ADAR):c.1916G>T (p.Gly639Val)

Gene: ADAR (adenosine deaminase RNA specific; minus strand). Cytogenetic location: 1q21.3.
Variant type: single nucleotide variant.
Coding change: c.1916G>T on transcript NM_001111.5 (MANE Select); coding-DNA position 1916, G replaced by T.
Protein change: p.Gly639Val; replaces glycine 639 with valine.
Molecular consequence: missense variant.
Genome position (GRCh38, 1-based): chr1:154,597,846, C>A on the plus strand (G>T on the coding strand, the complement: ADAR is on the minus strand). VCF-style: chr1-154597846-C-A. GRCh37 (hg19) VCF-style: chr1-154570322-C-A.
Other names: c.1031G>T, p.Gly344Val (NM_001025107.3, NM_001193495.2, NM_001365046.1 and 3 more transcripts); c.1943G>T, p.Gly648Val (NM_001365045.1); c.1916G>T, p.Gly639Val (NM_015840.4, NM_015841.4); short protein forms G344V, G639V, G648V.
Identifiers: ClinVar variation 1002255 (VCV001002255.8), dbSNP rs979268518, ClinGen allele CA30861391.